The following is an entry in ClinVar:

ClinVar aggregate classification (germline): Uncertain significance. Review status: criteria provided, multiple submitters, no conflicts (2 of 4 stars). 3 submissions from 3 submitters: Uncertain significance (3). Last evaluated 2023-04-11.

Conditions:
Juvenile onset Parkinson disease 19A. Also called: PARK19; DNAJC6 Parkinson Disease. Identifiers: Orphanet 391411, MedGen C3809811, MONDO:0014231, OMIM 615528.
Inborn genetic diseases. Identifiers: MedGen C0950123, MeSH D030342.

Allele frequency attached by ClinVar (database versions not stated): gnomAD exomes below 0.00001; gnomAD 0.00001; TOPMed 0.00001.
gnomAD v4.1: 7 of 1,614,092 alleles (0.00043%); highest among the groups gnomAD compares: Non-Finnish European, 0.00059%; no homozygotes.

Submissions (3):

Genome-Nilou Lab
Classification: Uncertain significance for Juvenile onset Parkinson disease 19A. Last evaluated: 2023-04-11. Review status: criteria provided, single submitter. Criteria: ACMG Guidelines, 2015. Collection method: clinical testing. Allele origin: germline. Affected: no.

Ambry Genetics
Classification: Uncertain significance for Inborn genetic diseases. Last evaluated: 2023-02-16. Review status: criteria provided, single submitter. Criteria: Ambry Variant Classification Scheme 2023. Collection method: clinical testing. Allele origin: germline.

Labcorp Genetics (formerly Invitae), Labcorp
Classification: Uncertain significance for Juvenile onset Parkinson disease 19A. Last evaluated: 2021-08-26. Review status: criteria provided, single submitter. Criteria: Invitae Variant Classification Sherloc (09022015). Collection method: clinical testing. Allele origin: germline.
Comment: Algorithms developed to predict the effect of missense changes on protein structure and function are either unavailable or do not agree on the potential impact of this missense change (SIFT: "Tolerated"; PolyPhen-2: "Probably Damaging"; Align-GVGD: "Class C0"). This sequence change replaces glutamine with leucine at codon 921 of the DNAJC6 protein (p.Gln921Leu). The glutamine residue is moderately conserved and there is a moderate physicochemical difference between glutamine and leucine. This variant is not present in population databases (ExAC no frequency). This variant has not been reported in the literature in individuals affected with DNAJC6-related conditions. In summary, the available evidence is currently insufficient to determine the role of this variant in disease. Therefore, it has been classified as a Variant of Uncertain Significance.

NM_001256864.2(DNAJC6):c.2762A>T (p.Gln921Leu)

Gene: DNAJC6 (DnaJ heat shock protein family (Hsp40) member C6; plus strand). Cytogenetic location: 1p31.3.
Variant type: single nucleotide variant.
Coding change: c.2762A>T on transcript NM_001256864.2 (MANE Select); coding-DNA position 2762, A replaced by T.
Protein change: p.Gln921Leu; replaces glutamine 921 with leucine.
Molecular consequence: missense variant.
Genome position (GRCh38, 1-based): chr1:65,411,377, A>T. VCF-style: chr1-65411377-A-T. GRCh37 (hg19) VCF-style: chr1-65877060-A-T.
Other names: c.2591A>T (NM_014787.2); c.2552A>T, p.Gln851Leu (NM_001256865.2); c.2591A>T, p.Gln864Leu (NM_014787.4); short protein forms Q864L, Q851L, Q921L.
Identifiers: ClinVar variation 1407142 (VCV001407142.8), dbSNP rs1203943853, ClinGen allele CA340717435.